The following is an entry in ClinVar:

NM_031904.5(FRMD8):c.85+29C>T

Gene: FRMD8 (FERM domain containing 8; plus strand). Cytogenetic location: 11q13.1.
Variant type: single nucleotide variant.
Coding change: c.85+29C>T on transcript NM_031904.5 (MANE Select); 29 bases into the intron after coding-DNA position 85, C replaced by T.
Molecular consequence: intron variant.
Genome position (GRCh38, 1-based): chr11:65,387,150, C>T. VCF-style: chr11-65387150-C-T. GRCh37 (hg19) VCF-style: chr11-65154621-C-T.
Other names: c.85+29C>T (NM_001300833.3, NM_001300832.3).
Identifiers: ClinVar variation 2641954 (VCV002641954.24), dbSNP rs144532045, ClinGen allele CA6096167.

ClinVar aggregate classification (germline): Likely benign (1 of 4 stars; one submission).

Allele frequency attached by ClinVar (database versions not stated): ExAC 0.00052; 1000 Genomes Project 30x 0.00062; 1000 Genomes Project 0.00080; gnomAD 0.00216; ESP Exome Variant Server 0.00223; TOPMed 0.00234.
gnomAD v4.1: 653 of 1,574,332 alleles (0.041%); highest among the groups gnomAD compares: African/African-American, 0.75%; 3 homozygotes.

Submission:

CeGaT Center for Human Genetics Tuebingen
Classification: Likely benign. Last evaluated: 2023-03-01. Review status: criteria provided, single submitter. Criteria: CeGaT Center For Human Genetics Tuebingen Variant Classification Criteria Version 2. Collection method: clinical testing. Allele origin: germline. Affected: yes. Observed: 1 variant allele.
Comment: FRMD8: BP4, BP7